The following is an entry in ClinVar:

NM_001037333.3(CYFIP2):c.344T>C (p.Leu115Pro)

Gene: CYFIP2 (cytoplasmic FMR1 interacting protein 2; plus strand). Cytogenetic location: 5q33.3.
Variant type: single nucleotide variant.
Coding change: c.344T>C on transcript NM_001037333.3 (MANE Select); coding-DNA position 344, T replaced by C.
Protein change: p.Leu115Pro; replaces leucine 115 with proline.
Molecular consequence: missense variant.
Genome position (GRCh38, 1-based): chr5:157,296,731, T>C. VCF-style: chr5-157296731-T-C. GRCh37 (hg19) VCF-style: chr5-156723739-T-C.
Other names: c.266T>C, p.Leu89Pro (NM_001291721.2); c.344T>C, p.Leu115Pro (NM_001291722.2, NM_014376.4); short protein forms L89P, L115P.
Identifiers: ClinVar variation 1995740 (VCV001995740.4), dbSNP rs2532288408, ClinGen allele CA361965985.

ClinVar aggregate classification (germline): Likely pathogenic (1 of 4 stars; one submission).

Submission:

Labcorp Genetics (formerly Invitae), Labcorp
Classification: Likely pathogenic. Last evaluated: 2024-07-22. Review status: criteria provided, single submitter. Criteria: Invitae Variant Classification Sherloc (09022015). Collection method: clinical testing. Allele origin: germline.
Comment: This sequence change replaces leucine, which is neutral and non-polar, with proline, which is neutral and non-polar, at codon 115 of the CYFIP2 protein (p.Leu115Pro). This variant is not present in population databases (gnomAD no frequency). This missense change has been observed in individual(s) with CYFIP2-related conditions (Inivtae). In at least one individual the variant was observed to be de novo. ClinVar contains an entry for this variant (Variation ID: 1995740). Experimental studies and prediction algorithms are not available or were not evaluated, and the functional significance of this variant is currently unknown. In summary, the currently available evidence indicates that the variant is pathogenic, but additional data are needed to prove that conclusively. Therefore, this variant has been classified as Likely Pathogenic.